The following is an entry in ClinVar:

NM_138927.4(SON):c.1399C>T (p.Gln467Ter)

Gene: SON (SON DNA and RNA binding protein; plus strand). Cytogenetic location: 21q22.11.
Variant type: single nucleotide variant.
Coding change: c.1399C>T on transcript NM_138927.4 (MANE Select); coding-DNA position 1399, C replaced by T.
Protein change: p.Gln467Ter; replaces glutamine 467 with a stop codon.
Molecular consequence: nonsense. On other transcripts: non-coding transcript variant (1), intron variant (1).
Genome position (GRCh38, 1-based): chr21:33,550,630, C>T. VCF-style: chr21-33550630-C-T. GRCh37 (hg19) VCF-style: chr21-34922936-C-T.
Other names: c.1399C>T, p.Gln467Ter (NM_001291411.2, NM_032195.3); c.244+4251C>T (NM_001291412.3); short protein forms Q467*.
Identifiers: ClinVar variation 3646098 (VCV003646098.2).

ClinVar aggregate classification (germline): Pathogenic (1 of 4 stars; one submission).

Submission:

Labcorp Genetics (formerly Invitae), Labcorp
Classification: Pathogenic. Last evaluated: 2024-10-10. Review status: criteria provided, single submitter. Criteria: Invitae Variant Classification Sherloc (09022015). Collection method: clinical testing. Allele origin: germline.
Comment: This sequence change creates a premature translational stop signal (p.Gln467*) in the SON gene. It is expected to result in an absent or disrupted protein product. Loss-of-function variants in SON are known to be pathogenic (PMID: 27545676, 27545680). This variant is not present in population databases (gnomAD no frequency). This variant has not been reported in the literature in individuals affected with SON-related conditions. For these reasons, this variant has been classified as Pathogenic.

Literature cited by the submitters: PubMed 27545676; PubMed 27545680.